The following is an entry in ClinVar:

ClinVar aggregate classification (germline): Likely benign (1 of 4 stars; one submission).

Conditions:
Neurofibromatosis, type 2 (SWNV). Also called: BILATERAL ACOUSTIC NEUROFIBROMATOSIS; NF2-Related Schwannomatosis; SCHWANNOMATOSIS, VESTIBULAR. Identifiers: Orphanet 637, MedGen C0027832, MONDO:0007039, OMIM 101000. Disease mechanism: loss of function.

Submission:

All of Us Research Program, National Institutes of Health
Classification: Likely benign for Neurofibromatosis, type 2. Last evaluated: 2023-05-16. Review status: criteria provided, single submitter. Criteria: ACMG Guidelines, 2015. Collection method: clinical testing. Allele origin: germline. Inheritance: Autosomal dominant inheritance. Observed: 1 variant allele, 1 heterozygote.
Comment: This study involves interpretation of variants in research participants for the purpose of population health screening. Participant phenotype was not available at the time of variant classification. Additional details can be found in publication PMID: 35346344, PMCID: PMC8962531

NM_000268.4(NF2):c.810+6A>T

Gene: NF2 (NF2, moesin-ezrin-radixin like (MERLIN) tumor suppressor; plus strand). Cytogenetic location: 22q12.2.
Variant type: single nucleotide variant.
Coding change: c.810+6A>T on transcript NM_000268.4 (MANE Select); 6 bases into the intron after coding-DNA position 810, A replaced by T.
Molecular consequence: intron variant.
Genome position (GRCh38, 1-based): chr22:29,661,345, A>T. VCF-style: chr22-29661345-A-T. GRCh37 (hg19) VCF-style: chr22-30057334-A-T.
Other names: c.810+6A>T (NM_016418.5, NM_181832.3, NM_001407060.1 and 2 more transcripts); c.696+6A>T (NM_001407056.1, NM_001407053.1); c.579+6A>T (NM_001407067.1); c.276+6A>T (NM_001407065.1); c.675+3081A>T (NM_001407059.1, NM_001407057.1); c.447+19060A>T (NM_181833.3); c.687+6A>T (NM_001407058.1, NM_181829.3, NM_001407054.1); c.552+3081A>T (NM_001407062.1); and 2 more.
Identifiers: ClinVar variation 3071265 (VCV003071265.1), dbSNP rs758285145, ClinGen allele CA2737857357.